The following is an entry in ClinVar:

NM_007259.5(VPS45):c.1174G>A (p.Ala392Thr)

Gene: VPS45 (vacuolar protein sorting 45 homolog; plus strand). Cytogenetic location: 1q21.2.
Variant type: single nucleotide variant.
Coding change: c.1174G>A on transcript NM_007259.5 (MANE Select); coding-DNA position 1174, G replaced by A.
Protein change: p.Ala392Thr; replaces alanine 392 with threonine.
Molecular consequence: missense variant. On other transcripts: non-coding transcript variant (1).
Genome position (GRCh38, 1-based): chr1:150,092,006, G>A. VCF-style: chr1-150092006-G-A. GRCh37 (hg19) VCF-style: chr1-150064100-G-A.
Other names: c.859G>A, p.Ala287Thr (NM_001279353.2); c.1066G>A, p.Ala356Thr (NM_001279354.2); short protein forms A287T, A356T, A392T.
Identifiers: ClinVar variation 658240 (VCV000658240.13), dbSNP rs782059726, ClinGen allele CA1073328.

ClinVar aggregate classification (germline): Uncertain significance. Review status: criteria provided, multiple submitters, no conflicts (2 of 4 stars). 6 submissions from 6 submitters: Uncertain significance (5). 1 of the submissions does not count toward it. Last evaluated 2024-10-29.

Conditions:
Congenital neutropenia-myelofibrosis-nephromegaly syndrome. Also called: Severe congenital neutropenia 5, autosomal recessive. Identifiers: Orphanet 369852, MedGen C3809031, MONDO:0014118, OMIM 615285.

Allele frequency attached by ClinVar (database versions not stated): ExAC 0.00007; gnomAD exomes 0.00008 and 0.00013; TOPMed 0.00016; gnomAD 0.00019.

Submissions (6):

Mayo Clinic Laboratories, Mayo Clinic
Classification: Uncertain significance. Last evaluated: 2024-10-29. Review status: criteria provided, single submitter. Criteria: ACMG Guidelines, 2015. Collection method: clinical testing. Allele origin: germline. Observed: 2 variant alleles.
Comment: PP3

Blueprint Genetics
Classification: Uncertain significance. Last evaluated: 2024-07-02. Review status: criteria provided, single submitter. Criteria: ACMG Guidelines, 2015. Collection method: clinical testing. Allele origin: germline.

Department of Pathology and Laboratory Medicine, Sinai Health System
Classification: Uncertain significance for Congenital neutropenia-myelofibrosis-nephromegaly syndrome. Last evaluated: 2023-02-27. Review status: criteria provided, single submitter. Criteria: ACMG Guidelines, 2015. Collection method: research. Allele origin: germline.

Labcorp Genetics (formerly Invitae), Labcorp
Classification: Uncertain significance for Congenital neutropenia-myelofibrosis-nephromegaly syndrome. Last evaluated: 2022-11-01. Review status: criteria provided, single submitter. Criteria: Invitae Variant Classification Sherloc (09022015). Collection method: clinical testing. Allele origin: germline.
Comment: This sequence change replaces alanine, which is neutral and non-polar, with threonine, which is neutral and polar, at codon 392 of the VPS45 protein (p.Ala392Thr). This variant is present in population databases (rs782059726, gnomAD 0.03%). This variant has not been reported in the literature in individuals affected with VPS45-related conditions. ClinVar contains an entry for this variant (Variation ID: 658240). Advanced modeling of protein sequence and biophysical properties (such as structural, functional, and spatial information, amino acid conservation, physicochemical variation, residue mobility, and thermodynamic stability) performed at Invitae indicates that this missense variant is not expected to disrupt VPS45 protein function. In summary, the available evidence is currently insufficient to determine the role of this variant in disease. Therefore, it has been classified as a Variant of Uncertain Significance.

Breakthrough Genomics
Classification: Uncertain significance. Review status: criteria provided, single submitter. Criteria: ACMG Guidelines, 2015. Collection method: not provided. Allele origin: germline. Inheritance: Autosomal recessive inheritance. Affected: yes.

Natera, Inc.
Classification: Uncertain significance for Autosomal recessive severe congenital neutropenia 5. Last evaluated: 2020-09-16. Review status: no assertion criteria provided. Collection method: clinical testing. Allele origin: germline. Not counted in ClinVar's aggregate classification.